The following is an entry in ClinVar:

ClinVar aggregate classification (germline): Conflicting classifications of pathogenicity. Review status: criteria provided, conflicting classifications (1 of 4 stars). 3 submissions from 3 submitters: Uncertain significance (1); Likely benign (1). 1 of the submissions does not count toward it. Last evaluated 2025-03-26.

Conditions:
Hereditary cancer-predisposing syndrome. Also called: Neoplastic Syndromes, Hereditary; Tumor predisposition; Hereditary Cancer Syndrome; Hereditary neoplastic syndrome. Identifiers: Orphanet 140162, MedGen C0027672, MeSH D009386, MONDO:0015356.
Hereditary breast ovarian cancer syndrome. Also called: Hereditary breast and ovarian cancer syndrome; Hereditary breast and ovarian cancer; Hereditary breast and ovarian cancer syndrome (HBOC); Breast and ovarian cancer; Hereditary breast and/or ovarian cancer syndrome; BRCA1- and BRCA2-Associated Hereditary Breast and Ovarian Cancer. Identifiers: Orphanet 145, MedGen C0677776, MeSH D061325, MONDO:0003582. Disease mechanism: loss of function.
Familial cancer of breast. Also called: BREAST CANCER, FAMILIAL; Hereditary breast cancer; hereditary breast carcinoma. Identifiers: Orphanet 227535, MedGen C0346153, MONDO:0016419, OMIM 114480. Disease mechanism: loss of function.

Submissions (3):

Labcorp Genetics (formerly Invitae), Labcorp
Classification: Uncertain significance for Hereditary breast ovarian cancer syndrome. Last evaluated: 2025-03-26. Review status: criteria provided, single submitter. Criteria: Invitae Variant Classification Sherloc (09022015). Collection method: clinical testing. Allele origin: germline.
Comment: This sequence change replaces glutamic acid, which is acidic and polar, with glycine, which is neutral and non-polar, at codon 421 of the BRCA1 protein (p.Glu421Gly). This variant is not present in population databases (gnomAD no frequency). This missense change has been observed to co-occur in individuals with a different variant in BRCA1 that has been determined to be pathogenic (PMID: 8808710), but the significance of this finding is unclear. ClinVar contains an entry for this variant (Variation ID: 54180). Invitae Evidence Modeling of protein sequence and biophysical properties (such as structural, functional, and spatial information, amino acid conservation, physicochemical variation, residue mobility, and thermodynamic stability) indicates that this missense variant is not expected to disrupt BRCA1 protein function with a negative predictive value of 80%. In summary, the available evidence is currently insufficient to determine the role of this variant in disease. Therefore, it has been classified as a Variant of Uncertain Significance.

University of Washington Department of Laboratory Medicine, University of Washington
Classification: Likely benign for Hereditary cancer-predisposing syndrome. Last evaluated: 2023-03-23. Review status: criteria provided, single submitter. Criteria: Dines et al. (Genet Med. 2020). Collection method: curation. Allele origin: germline.
Comment: Missense variant in a coldspot region where missense variants are very unlikely to be pathogenic (PMID:31911673).

BRCA1 coldspot (exon 11 using historical exon numbering). Reclassification based on statistical prior probability

ClinVar Staff, National Center for Biotechnology Information (NCBI)
No classification provided. Condition: Familial cancer of breast. Review status: no classification provided. Collection method: literature only. Allele origin: germline. Affected: yes. Not counted in ClinVar's aggregate classification.

Literature cited by the submitters: PubMed 8808710 (cited by Labcorp Genetics (formerly Invitae), Labcorp and ClinVar Staff, National Center for Biotechnology Information (NCBI)).

NM_007294.4(BRCA1):c.1262A>G (p.Glu421Gly)

Gene: BRCA1 (BRCA1 DNA repair associated; minus strand). Cytogenetic location: 17q21.31.
Variant type: single nucleotide variant.
Coding change: c.1262A>G on transcript NM_007294.4 (MANE Select); coding-DNA position 1262, A replaced by G.
Protein change: p.Glu421Gly; replaces glutamic acid 421 with glycine.
Molecular consequence: missense variant. On other transcripts: intron variant (137).
Genome position (GRCh38, 1-based): chr17:43,094,269, T>C on the plus strand (A>G on the coding strand, the complement: BRCA1 is on the minus strand). VCF-style: chr17-43094269-T-C. GRCh37 (hg19) VCF-style: chr17-41246286-T-C.
Other names: c.1262A>G, p.Glu421Gly (NM_001407620.1, NM_001407621.1, NM_001407622.1 and 30 more transcripts); c.1259A>G, p.Glu420Gly (NM_001407627.1, NM_001407628.1, NM_001407629.1 and 22 more transcripts); c.1253A>G, p.Glu418Gly (NM_001407646.1, NM_001407647.1); c.1139A>G, p.Glu380Gly (NM_001407648.1, NM_001407664.1, NM_001407665.1 and 19 more transcripts); c.1136A>G, p.Glu379Gly (NM_001407649.1, NM_001407670.1, NM_001407671.1 and 11 more transcripts); c.1184A>G, p.Glu395Gly (NM_001407653.1, NM_001407654.1, NM_001407655.1 and 4 more transcripts); c.1181A>G, p.Glu394Gly (NM_001407659.1, NM_001407660.1, NM_001407661.1 and 1 more transcripts); c.1121A>G, p.Glu374Gly (NM_001407692.1, NM_001407694.1, NM_001407695.1 and 29 more transcripts); and 40 more; short protein forms E421G, E374G, E253G, E309G, E373G, E394G, E395G, E418G.
Identifiers: ClinVar variation 54180 (VCV000054180.13), dbSNP rs397508849, ClinGen allele CA000833.